The following is an entry in ClinVar:

NM_144670.6(A2ML1):c.2117G>A (p.Gly706Asp)

Gene: A2ML1 (alpha-2-macroglobulin like 1; plus strand). Cytogenetic location: 12p13.31.
Variant type: single nucleotide variant.
Coding change: c.2117G>A on transcript NM_144670.6 (MANE Select); coding-DNA position 2117, G replaced by A.
Protein change: p.Gly706Asp; replaces glycine 706 with aspartic acid.
Molecular consequence: missense variant.
Genome position (GRCh38, 1-based): chr12:8,849,757, G>A. VCF-style: chr12-8849757-G-A. GRCh37 (hg19) VCF-style: chr12-9002353-G-A.
Other names: c.2117G>A (NM_144670.5, NM_144670.3); c.644G>A, p.Gly215Asp (NM_001282424.3); short protein forms G706D, G215D.
Identifiers: ClinVar variation 561697 (VCV000561697.9), dbSNP rs772497821, ClinGen allele CA6435903.

ClinVar aggregate classification (germline): Uncertain significance. Review status: criteria provided, multiple submitters, no conflicts (2 of 4 stars). 4 submissions from 4 submitters: Uncertain significance (4). Last evaluated 2025-11-10.

Allele frequency attached by ClinVar (database versions not stated): gnomAD exomes below 0.00001 and 0.00001; ExAC 0.00001; gnomAD 0.00001 and 0.00002; TOPMed 0.00004.
gnomAD v4.1: 10 of 1,613,902 alleles (0.00062%); highest among the groups gnomAD compares: Admixed American, 0.0083%; no homozygotes.

Submissions (4):

Labcorp Genetics (formerly Invitae), Labcorp
Classification: Uncertain significance. Last evaluated: 2025-11-10. Review status: criteria provided, single submitter. Criteria: Invitae Variant Classification Sherloc (09022015). Collection method: clinical testing. Allele origin: germline.
Comment: This sequence change replaces glycine, which is neutral and non-polar, with aspartic acid, which is acidic and polar, at codon 706 of the A2ML1 protein (p.Gly706Asp). This variant is present in population databases (rs772497821, gnomAD 0.009%). This variant has not been reported in the literature in individuals affected with A2ML1-related conditions. ClinVar contains an entry for this variant (Variation ID: 561697). An algorithm developed to predict the effect of missense changes on protein structure and function (PolyPhen-2) suggests that this variant is likely to be tolerated. In summary, the available evidence is currently insufficient to determine the role of this variant in disease. Therefore, it has been classified as a Variant of Uncertain Significance.

Ambry Genetics
Classification: Uncertain significance. Last evaluated: 2023-12-30. Review status: criteria provided, single submitter. Criteria: Ambry Variant Classification Scheme 2023. Collection method: clinical testing. Allele origin: germline.
Comment: The p.G706D variant (also known as c.2117G>A), located in coding exon 17 of the A2ML1 gene, results from a G to A substitution at nucleotide position 2117. The glycine at codon 706 is replaced by aspartic acid, an amino acid with similar properties. This amino acid position is conserved. In addition, this alteration is predicted to be tolerated by in silico analysis. Since supporting evidence is limited at this time, the clinical significance of this alteration remains unclear.

Women's Health and Genetics/Laboratory Corporation of America, LabCorp
Classification: Uncertain significance. Last evaluated: 2023-08-12. Review status: criteria provided, single submitter. Criteria: LabCorp Variant Classification Summary - May 2015. Collection method: clinical testing. Allele origin: germline.

GeneDx
Classification: Uncertain significance. Last evaluated: 2017-11-20. Review status: criteria provided, single submitter. Criteria: GeneDx Variant Classification (06012015). Collection method: clinical testing. Allele origin: germline. Affected: yes.
Comment: The G706D variant has not been published as a pathogenic variant, nor has it been reported as a benign variant to our knowledge. The G706D variant is not observed at a significant frequency in large population cohorts (Lek et al., 2016). The G706D variant is a non-conservative amino acid substitution, which is likely to impact secondary protein structure as these residues differ in polarity, charge, size and/or other properties. In-silico analyses, including protein predictors and evolutionary conservation, support that this variant does not alter protein structure/function. In summary, based on the currently available information, it is unclear whether this variant is a pathogenic variant or a rare benign variant.